The following is an entry in ClinVar:

ClinVar aggregate classification (germline): Uncertain significance (1 of 4 stars; one submission).

Submission:

Labcorp Genetics (formerly Invitae), Labcorp
Classification: Uncertain significance. Last evaluated: 2024-04-08. Review status: criteria provided, single submitter. Criteria: Invitae Variant Classification Sherloc (09022015). Collection method: clinical testing. Allele origin: germline.
Comment: This sequence change replaces aspartic acid, which is acidic and polar, with valine, which is neutral and non-polar, at codon 765 of the CTNNA1 protein (p.Asp765Val). This variant is not present in population databases (gnomAD no frequency). This variant has not been reported in the literature in individuals affected with CTNNA1-related conditions. Advanced modeling of protein sequence and biophysical properties (such as structural, functional, and spatial information, amino acid conservation, physicochemical variation, residue mobility, and thermodynamic stability) has been performed at Invitae for this missense variant, however the output from this modeling did not meet the statistical confidence thresholds required to predict the impact of this variant on CTNNA1 protein function. In summary, the available evidence is currently insufficient to determine the role of this variant in disease. Therefore, it has been classified as a Variant of Uncertain Significance.

NM_001903.5(CTNNA1):c.2294A>T (p.Asp765Val)

Gene: CTNNA1 (catenin alpha 1; plus strand). Cytogenetic location: 5q31.2.
Variant type: single nucleotide variant.
Coding change: c.2294A>T on transcript NM_001903.5 (MANE Select); coding-DNA position 2294, A replaced by T.
Protein change: p.Asp765Val; replaces aspartic acid 765 with valine.
Molecular consequence: missense variant.
Genome position (GRCh38, 1-based): chr5:138,930,931, A>T. VCF-style: chr5-138930931-A-T. GRCh37 (hg19) VCF-style: chr5-138266620-A-T.
Other names: c.2294A>T, p.Asp765Val (NM_001323984.2, NM_001323985.2, NM_001290307.3 and 2 more transcripts); c.2201A>T, p.Asp734Val (NM_001323986.2); c.1184A>T, p.Asp395Val (NM_001323987.1, NM_001323988.1, NM_001323989.1 and 17 more transcripts); c.845A>T, p.Asp282Val (NM_001324008.1, NM_001324009.1, NM_001324010.1 and 2 more transcripts); c.1091A>T, p.Asp364Val (NM_001324011.1); c.941A>T, p.Asp314Val (NM_001324012.1, NM_001324013.1); c.1985A>T, p.Asp662Val (NM_001290309.3); c.1925A>T, p.Asp642Val (NM_001290310.3); short protein forms D734V, D282V, D314V, D765V, D364V, D395V, D642V, D662V.
Identifiers: ClinVar variation 2820640 (VCV002820640.3), dbSNP rs2533862267, ClinGen allele CA361133971.